The following is an entry in ClinVar:

NM_001830.4(CLCN4):c.629C>T (p.Thr210Met)

Gene: CLCN4 (Cl-/H+ antiporter 4; plus strand). Cytogenetic location: Xp22.2.
Variant type: single nucleotide variant.
Coding change: c.629C>T on transcript NM_001830.4 (MANE Select); coding-DNA position 629, C replaced by T.
Protein change: p.Thr210Met; replaces threonine 210 with methionine.
Molecular consequence: missense variant.
Genome position (GRCh38, 1-based): chrX:10,206,431, C>T. VCF-style: chrX-10206431-C-T. GRCh37 (hg19) VCF-style: chrX-10174471-C-T.
Other names: c.347C>T, p.Thr116Met (NM_001256944.2); short protein forms T116M, T210M.
Identifiers: ClinVar variation 1307789 (VCV001307789.27), dbSNP rs2147178483, ClinGen allele CA412036593.

ClinVar aggregate classification (germline): Uncertain significance. Review status: criteria provided, multiple submitters, no conflicts (2 of 4 stars). 2 submissions from 2 submitters: Uncertain significance (2). Last evaluated 2023-09-01.

gnomAD v4.1: 1 of 1,210,070 alleles (0.000083%); no homozygotes.

Submissions (2):

CeGaT Center for Human Genetics Tuebingen
Classification: Uncertain significance. Last evaluated: 2023-09-01. Review status: criteria provided, single submitter. Criteria: CeGaT Center For Human Genetics Tuebingen Variant Classification Criteria Version 2. Collection method: clinical testing. Allele origin: germline. Affected: yes. Observed: 1 variant allele.
Comment: CLCN4: PM2, PP2, PP3

GeneDx
Classification: Uncertain significance. Last evaluated: 2019-08-13. Review status: criteria provided, single submitter. Criteria: GeneDx Variant Classification Process June 2021. Collection method: clinical testing. Allele origin: germline. Affected: yes.
Comment: Not observed in large population cohorts (Lek et al., 2016); In silico analysis, which includes protein predictors and evolutionary conservation, supports a deleterious effect; Has not been previously published as pathogenic or benign to our knowledge